The following is an entry in ClinVar:

ClinVar aggregate classification (germline): Benign. Review status: criteria provided, single submitter (1 of 4 stars). 2 submissions from 2 submitters: Benign (1). 1 of the submissions does not count toward it. Last evaluated 2018-07-18.

Conditions:
VPS13C-related disorder. Also called: VPS13C-related condition.

Allele frequency attached by ClinVar (database versions not stated): gnomAD below 0.00001 and 0.00017; TOPMed 0.00004; 1000 Genomes Project 30x 0.00062; 1000 Genomes Project 0.00080; ExAC 0.00107.
gnomAD v4.1: 661 of 1,609,556 alleles (0.041%); highest among the groups gnomAD compares: South Asian, 0.71%; 11 homozygotes.

Submissions (2):

Labcorp Genetics (formerly Invitae), Labcorp
Classification: Benign. Last evaluated: 2018-07-18. Review status: criteria provided, single submitter. Criteria: Invitae Variant Classification Sherloc (09022015). Collection method: clinical testing. Allele origin: germline.

PreventionGenetics, part of Exact Sciences
Classification: Benign for VPS13C-related condition. Last evaluated: 2019-06-05. Review status: no assertion criteria provided. Collection method: clinical testing. Allele origin: germline. Not counted in ClinVar's aggregate classification.
Comment: This variant is classified as benign based on ACMG/AMP sequence variant interpretation guidelines (Richards et al. 2015 PMID: 25741868, with internal and published modifications).

NM_020821.3(VPS13C):c.1362G>A (p.Arg454=)

Gene: VPS13C (vacuolar protein sorting 13 homolog C; minus strand). Cytogenetic location: 15q22.2.
Variant type: single nucleotide variant.
Coding change: c.1362G>A on transcript NM_020821.3 (MANE Select); coding-DNA position 1362, G replaced by A.
Protein change: p.Arg454=; no amino-acid change (arginine 454 retained).
Molecular consequence: synonymous variant.
Genome position (GRCh38, 1-based): chr15:61,991,794, C>T on the plus strand (G>A on the coding strand, the complement: VPS13C is on the minus strand). VCF-style: chr15-61991794-C-T. GRCh37 (hg19) VCF-style: chr15-62283993-C-T.
Other names: c.1362G>A, p.Arg454= (NM_001018088.3); c.1233G>A, p.Arg411= (NM_017684.5, NM_018080.4).
Identifiers: ClinVar variation 758093 (VCV000758093.5), dbSNP rs531016364, ClinGen allele CA7597065.